The following is an entry in ClinVar:

ClinVar aggregate classification (germline): Uncertain significance. Review status: criteria provided, multiple submitters, no conflicts (2 of 4 stars). 2 submissions from 2 submitters: Uncertain significance (2). Last evaluated 2024-11-14.

Allele frequency attached by ClinVar (database versions not stated): gnomAD exomes below 0.00001.
gnomAD v4.1: 1 of 1,613,614 alleles (0.000062%); highest among the groups gnomAD compares: Non-Finnish European, 0.000085%; no homozygotes.

Submissions (2):

Dasa
Classification: Uncertain significance. Last evaluated: 2024-11-14. Review status: criteria provided, single submitter. Criteria: DASA Assertion Criteria. Collection method: clinical testing. Allele origin: germline.
Comment: NM_007327.4(GRIN1):c.1007G>T (p.Gly336Val) is a missense variant that results in the substitution of glycine with valine. This variant is rare in population databases. Computational prediction algorithms are consistent with a deleterious effect. The currently available literature and clinical evidence are not sufficient to establish a definitive association between this variant and the reported condition. Therefore, this variant is classified as a variant of uncertain significance.

CeGaT Center for Human Genetics Tuebingen
Classification: Uncertain significance. Last evaluated: 2023-02-01. Review status: criteria provided, single submitter. Criteria: CeGaT Center For Human Genetics Tuebingen Variant Classification Criteria Version 2. Collection method: clinical testing. Allele origin: germline. Affected: yes. Observed: 1 variant allele.
Comment: GRIN1: PM2, PP2, PP3

NM_007327.4(GRIN1):c.1007G>T (p.Gly336Val)

Gene: GRIN1 (glutamate ionotropic receptor NMDA type subunit 1; plus strand). Cytogenetic location: 9q34.3.
Variant type: single nucleotide variant.
Coding change: c.1007G>T on transcript NM_007327.4 (MANE Select); coding-DNA position 1007, G replaced by T.
Protein change: p.Gly336Val; replaces glycine 336 with valine.
Molecular consequence: missense variant.
Genome position (GRCh38, 1-based): chr9:137,158,417, G>T. VCF-style: chr9-137158417-G-T. GRCh37 (hg19) VCF-style: chr9-140052869-G-T.
Other names: c.1007G>T, p.Gly336Val (NM_000832.7, NM_021569.4); c.1070G>T, p.Gly357Val (NM_001185090.2, NM_001185091.2); short protein forms G336V, G357V.
Identifiers: ClinVar variation 2659810 (VCV002659810.26), dbSNP rs2538608073, ClinGen allele CA375715372.
Genomic context (GRCh38, chr9:137,158,417, plus strand): 5'-TCAGCTATGCTTCCTTCCCTAGAGTGCTGATGTCTTCCAAGTATGCGGATGGGGTGACTG[G>T]TCGCGTGGAGTTCAATGAGGATGGGGACCGGAAGTTCGCCAACTACAGCATCATGAACCT-3'
Protein context (NP_015566.1, residues 326-346): MSSKYADGVT[Gly336Val]RVEFNEDGDR